The following is an entry in ClinVar:

NM_000052.7(ATP7A):c.3424A>G (p.Ile1142Val)

Gene: ATP7A (ATPase copper transporting alpha; plus strand). Cytogenetic location: Xq21.1.
Variant type: single nucleotide variant.
Coding change: c.3424A>G on transcript NM_000052.7 (MANE Select); coding-DNA position 3424, A replaced by G.
Protein change: p.Ile1142Val; replaces isoleucine 1142 with valine.
Molecular consequence: missense variant. On other transcripts: non-coding transcript variant (1).
Genome position (GRCh38, 1-based): chrX:78,033,734, A>G. VCF-style: chrX-78033734-A-G. GRCh37 (hg19) VCF-style: chrX-77289232-A-G.
Other names: c.3190A>G, p.Ile1064Val (NM_001282224.2); short protein forms I1064V, I1142V.
Identifiers: ClinVar variation 2067536 (VCV002067536.4), dbSNP rs1831643767, ClinGen allele CA413604134.
Genomic context (GRCh38, chrX:78,033,734, plus strand): 5'-AAAGTCACCAATATTGAAGGCTTGCTACATAAGAATAACTGGAATATAGAGGACAATAAT[A>G]TTAAAAATGCATCCCTGGTTCAAATTGATGCCAGTAATGAACAGTCATCAACTTCGTCTT-3'
Protein context (NP_000043.4, residues 1132-1152): KNNWNIEDNN[Ile1142Val]KNASLVQIDA

ClinVar aggregate classification (germline): Uncertain significance (1 of 4 stars; one submission).

Conditions:
Menkes kinky-hair syndrome (MNK). Also called: Copper transport disease; Menkes Disease; Classic Menkes Disease. Identifiers: Orphanet 565, MedGen C0022716, MONDO:0010651, OMIM 309400.
X-linked distal spinal muscular atrophy type 3. Also called: ATP7A-Related Distal Motor Neuropathy; SPINAL MUSCULAR ATROPHY, DISTAL, X-LINKED RECESSIVE; NEURONOPATHY, DISTAL HEREDITARY MOTOR, X-LINKED; NEUROPATHY, DISTAL HEREDITARY MOTOR, X-LINKED. Identifiers: Orphanet 139557, MedGen C1845359, MONDO:0010338, OMIM 300489.
Cutis laxa, X-linked (OHS). Also called: EDS IX; Occipital horn syndrome. Identifiers: Orphanet 198, MedGen C0268353, MONDO:0010572, OMIM 304150.

Allele frequency attached by ClinVar (database versions not stated): TOPMed below 0.00001; gnomAD 0.00001; gnomAD exomes 0.00001.
gnomAD v4.1: 4 of 1,209,003 alleles (0.00033%); highest among the groups gnomAD compares: Non-Finnish European, 0.00045%; no homozygotes.

Submission:

Labcorp Genetics (formerly Invitae), Labcorp
Classification: Uncertain significance for X-linked distal spinal muscular atrophy type 3; Cutis laxa, X-linked; Menkes kinky-hair syndrome. Last evaluated: 2025-09-10. Review status: criteria provided, single submitter. Criteria: Invitae Variant Classification Sherloc (09022015). Collection method: clinical testing. Allele origin: germline.
Comment: This sequence change replaces isoleucine, which is neutral and non-polar, with valine, which is neutral and non-polar, at codon 1142 of the ATP7A protein (p.Ile1142Val). This variant is not present in population databases (gnomAD no frequency). This variant has not been reported in the literature in individuals affected with ATP7A-related conditions. ClinVar contains an entry for this variant (Variation ID: 2067536). Invitae Evidence Modeling of protein sequence and biophysical properties (such as structural, functional, and spatial information, amino acid conservation, physicochemical variation, residue mobility, and thermodynamic stability) indicates that this missense variant is not expected to disrupt ATP7A protein function with a negative predictive value of 95%. In summary, the available evidence is currently insufficient to determine the role of this variant in disease. Therefore, it has been classified as a Variant of Uncertain Significance.